The following is an entry in ClinVar:

NM_021098.3(CACNA1H):c.5174-9C>T

Gene: CACNA1H (calcium voltage-gated channel subunit alpha1 H; plus strand). Cytogenetic location: 16p13.3.
Variant type: single nucleotide variant.
Coding change: c.5174-9C>T on transcript NM_021098.3 (MANE Select); 9 bases into the intron before coding-DNA position 5174, C replaced by T.
Molecular consequence: intron variant.
Genome position (GRCh38, 1-based): chr16:1,215,514, C>T. VCF-style: chr16-1215514-C-T. GRCh37 (hg19) VCF-style: chr16-1265514-C-T.
Other names: c.5156-9C>T (NM_001005407.2); c.5174-9C>T (NM_021098.2).
Identifiers: ClinVar variation 2926817 (VCV002926817.4), dbSNP rs773228250, ClinGen allele CA7801859.

ClinVar aggregate classification (germline): Likely benign. Review status: criteria provided, multiple submitters, no conflicts (2 of 4 stars). 2 submissions from 2 submitters: Likely benign (2). Last evaluated 2025-08-27.

Conditions:
CACNA1H-related disorder.
Hyperaldosteronism, familial, type IV (HALD4). Also called: FH IV; ALDOSTERONISM, PRIMARY, AND HYPERTENSION. Identifiers: Orphanet 642671, MedGen C4310756, MONDO:0014875, OMIM 617027.
Idiopathic generalized epilepsy. Also called: EIG; Generalised epilepsy. Identifiers: MedGen C0270850, MONDO:0005579, OMIM 600669.

Allele frequency attached by ClinVar (database versions not stated): ExAC 0.00001.

Submissions (2):

PreventionGenetics, part of Exact Sciences
Classification: Likely benign for CACNA1H-related condition. Last evaluated: 2025-08-27. Review status: criteria provided, single submitter. Criteria: ACMG Guidelines, 2015. Collection method: clinical testing. Allele origin: germline.
Comment: This variant is classified as likely benign based on ACMG/AMP sequence variant interpretation guidelines (Richards et al. 2015 PMID: 25741868, with internal and published modifications).

Labcorp Genetics (formerly Invitae), Labcorp
Classification: Likely benign for Idiopathic generalized epilepsy; Hyperaldosteronism, familial, type IV. Last evaluated: 2023-03-17. Review status: criteria provided, single submitter. Criteria: Invitae Variant Classification Sherloc (09022015). Collection method: clinical testing. Allele origin: germline.